The following is an entry in ClinVar:

NM_172232.4(ABCA5):c.1405T>G (p.Ser469Ala)

Gene: ABCA5 (ATP binding cassette subfamily A member 5; minus strand). Cytogenetic location: 17q24.3.
Variant type: single nucleotide variant.
Coding change: c.1405T>G on transcript NM_172232.4 (MANE Select); coding-DNA position 1405, T replaced by G.
Protein change: p.Ser469Ala; replaces serine 469 with alanine.
Molecular consequence: missense variant.
Genome position (GRCh38, 1-based): chr17:69,297,222, A>C on the plus strand (T>G on the coding strand, the complement: ABCA5 is on the minus strand). VCF-style: chr17-69297222-A-C. GRCh37 (hg19) VCF-style: chr17-67293363-A-C.
Other names: c.1405T>G, p.Ser469Ala (NM_018672.5); short protein forms S469A.
Identifiers: ClinVar variation 777718 (VCV000777718.7), dbSNP rs114790500, ClinGen allele CA8737640.

ClinVar aggregate classification (germline): Benign. Review status: criteria provided, multiple submitters, no conflicts (2 of 4 stars). 3 submissions from 3 submitters: Benign (2). 1 of the submissions does not count toward it. Last evaluated 2019-12-31.

Conditions:
ABCA5-related disorder. Also called: ABCA5-related condition.

Allele frequency attached by ClinVar (database versions not stated): gnomAD exomes 0.00160 and 0.00442; ExAC 0.00527; 1000 Genomes Project 0.01637; gnomAD 0.01717 and 0.01850; 1000 Genomes Project 30x 0.01843; ESP Exome Variant Server 0.01885; TOPMed 0.01964.
gnomAD v4.1: 5,082 of 1,611,624 alleles (0.32%); highest among the groups gnomAD compares: African/African-American, 5.8%; 145 homozygotes.

Submissions (3):

Labcorp Genetics (formerly Invitae), Labcorp
Classification: Benign. Last evaluated: 2019-12-31. Review status: criteria provided, single submitter. Criteria: Invitae Variant Classification Sherloc (09022015). Collection method: clinical testing. Allele origin: germline.

Breakthrough Genomics
Classification: Benign. Review status: criteria provided, single submitter. Criteria: ACMG Guidelines, 2015. Collection method: not provided. Allele origin: germline. Inheritance: Autosomal recessive inheritance. Affected: yes.

PreventionGenetics, part of Exact Sciences
Classification: Benign for ABCA5-related condition. Last evaluated: 2019-06-12. Review status: no assertion criteria provided. Collection method: clinical testing. Allele origin: germline. Not counted in ClinVar's aggregate classification.
Comment: This variant is classified as benign based on ACMG/AMP sequence variant interpretation guidelines (Richards et al. 2015 PMID: 25741868, with internal and published modifications).